The following is an entry in ClinVar:

ClinVar aggregate classification (germline): Uncertain significance. Review status: criteria provided, multiple submitters, no conflicts (2 of 4 stars). 2 submissions from 2 submitters: Uncertain significance (2). Last evaluated 2025-07-14.

Conditions:
Hereditary cancer-predisposing syndrome. Also called: Hereditary Cancer Syndrome; Tumor predisposition; Hereditary neoplastic syndrome; Neoplastic Syndromes, Hereditary. Identifiers: Orphanet 140162, MedGen C0027672, MeSH D009386, MONDO:0015356.

Submissions (2):

Labcorp Genetics (formerly Invitae), Labcorp
Classification: Uncertain significance. Last evaluated: 2025-07-14. Review status: criteria provided, single submitter. Criteria: Invitae Variant Classification Sherloc (09022015). Collection method: clinical testing. Allele origin: germline.
Comment: This sequence change replaces aspartic acid, which is acidic and polar, with glutamic acid, which is acidic and polar, at codon 479 of the MSH3 protein (p.Asp479Glu). This variant is not present in population databases (gnomAD no frequency). This variant has not been reported in the literature in individuals affected with MSH3-related conditions. ClinVar contains an entry for this variant (Variation ID: 3398695). An algorithm developed to predict the effect of missense changes on protein structure and function outputs the following: PolyPhen-2: "Benign". The glutamic acid amino acid residue is found in multiple mammalian species, which suggests that this missense change does not adversely affect protein function. In summary, the available evidence is currently insufficient to determine the role of this variant in disease. Therefore, it has been classified as a Variant of Uncertain Significance.

Ambry Genetics
Classification: Uncertain significance for Hereditary cancer-predisposing syndrome. Last evaluated: 2024-07-16. Review status: criteria provided, single submitter. Criteria: Ambry Variant Classification Scheme 2023. Collection method: clinical testing. Allele origin: germline.
Comment: The p.D479E variant (also known as c.1437T>A), located in coding exon 9 of the MSH3 gene, results from a T to A substitution at nucleotide position 1437. The aspartic acid at codon 479 is replaced by glutamic acid, an amino acid with highly similar properties. This amino acid position is conserved. In addition, this alteration is predicted to be tolerated by in silico analysis. Based on the available evidence, the clinical significance of this variant remains unclear.

NM_002439.5(MSH3):c.1437T>A (p.Asp479Glu)

Gene: MSH3 (mutS homolog 3; plus strand). Cytogenetic location: 5q14.1.
Variant type: single nucleotide variant.
Coding change: c.1437T>A on transcript NM_002439.5 (MANE Select); coding-DNA position 1437, T replaced by A.
Protein change: p.Asp479Glu; replaces aspartic acid 479 with glutamic acid.
Molecular consequence: missense variant.
Genome position (GRCh38, 1-based): chr5:80,725,549, T>A. VCF-style: chr5-80725549-T-A. GRCh37 (hg19) VCF-style: chr5-80021368-T-A.
Other names: short protein forms D479E.
Identifiers: ClinVar variation 3398695 (VCV003398695.2).